The following is an entry in ClinVar:

NM_175914.5(HNF4A):c.358T>C (p.Ser120Pro)

Gene: HNF4A (hepatocyte nuclear factor 4 alpha; plus strand). Cytogenetic location: 20q13.12.
Variant type: single nucleotide variant.
Coding change: c.358T>C on transcript NM_175914.5 (MANE Select); coding-DNA position 358, T replaced by C.
Protein change: p.Ser120Pro; replaces serine 120 with proline.
Molecular consequence: missense variant.
Genome position (GRCh38, 1-based): chr20:44,413,732, T>C. VCF-style: chr20-44413732-T-C. GRCh37 (hg19) VCF-style: chr20-43042372-T-C.
Other names: c.424T>C, p.Ser142Pro (NM_000457.6, NM_178849.3, NM_178850.3); c.358T>C, p.Ser120Pro (NM_001030003.3, NM_001030004.3); c.403T>C, p.Ser135Pro (NM_001258355.2); c.349T>C, p.Ser117Pro (NM_001287182.2, NM_001287183.2, NM_001287184.2); short protein forms S142P, S117P, S120P, S135P.
Identifiers: ClinVar variation 804915 (VCV000804915.8), dbSNP rs780342162, ClinGen allele CA9870233.

ClinVar aggregate classification (germline): Uncertain significance/Uncertain risk allele. Review status: criteria provided, multiple submitters, no conflicts (2 of 4 stars). 4 submissions from 4 submitters: Uncertain significance (3); Uncertain risk allele (1). Last evaluated 2025-05-13.

Conditions:
Maturity-onset diabetes of the young (MODY). Also called: Maturity onset diabetes mellitus in young. Identifiers: Orphanet 552, MedGen C0342276, MONDO:0018911, HP:0004904.
Fanconi renotubular syndrome 4 with maturity-onset diabetes of the young (FRTS4). Also called: FRTS4 WITH MODY. Identifiers: Orphanet 93111, MedGen C4014962, MONDO:0014458, OMIM 616026.
Maturity-onset diabetes of the young type 1. Also called: MODY type 1; Diabetes mellitus MODY type 1; MODY HNF4A related; HNF4A-Related Maturity-Onset Diabetes of the Young Type 1; MILD JUVENILE DIABETES MELLITUS; MODY, type I. Identifiers: Orphanet 552, MedGen C1852093, MONDO:0007452, OMIM 125850. Disease mechanism: loss of function.
Type 2 diabetes mellitus. Also called: Type II diabetes mellitus. Identifiers: MedGen C0011860, MeSH D003924, MONDO:0005148, OMIM 125853, HP:0005978.

Allele frequency attached by ClinVar (database versions not stated): TOPMed 0.00002; ExAC 0.00003; gnomAD exomes 0.00004.
gnomAD v4.1: 11 of 1,613,310 alleles (0.00068%); highest among the groups gnomAD compares: Admixed American, 0.017%; no homozygotes.

Submissions (4):

Labcorp Genetics (formerly Invitae), Labcorp
Classification: Uncertain significance. Last evaluated: 2025-05-13. Review status: criteria provided, single submitter. Criteria: Invitae Variant Classification Sherloc (09022015). Collection method: clinical testing. Allele origin: germline.
Comment: This sequence change replaces serine, which is neutral and polar, with proline, which is neutral and non-polar, at codon 120 of the HNF4A protein (p.Ser120Pro). This variant is present in population databases (rs780342162, gnomAD 0.03%). This variant has not been reported in the literature in individuals affected with HNF4A-related conditions. ClinVar contains an entry for this variant (Variation ID: 804915). Invitae Evidence Modeling of protein sequence and biophysical properties (such as structural, functional, and spatial information, amino acid conservation, physicochemical variation, residue mobility, and thermodynamic stability) has been performed for this missense variant. However, the output from this modeling did not meet the statistical confidence thresholds required to predict the impact of this variant on HNF4A protein function. In summary, the available evidence is currently insufficient to determine the role of this variant in disease. Therefore, it has been classified as a Variant of Uncertain Significance.

Fulgent Genetics
Classification: Uncertain significance for Maturity-onset diabetes of the young type 1; Type 2 diabetes mellitus; Fanconi renotubular syndrome 4 with maturity-onset diabetes of the young. Last evaluated: 2022-05-02. Review status: criteria provided, single submitter. Criteria: ACMG Guidelines, 2015. Collection method: clinical testing. Allele origin: unknown.

Athena Diagnostics
Classification: Uncertain significance. Last evaluated: 2019-02-13. Review status: criteria provided, single submitter. Criteria: Athena Diagnostics Criteria. Collection method: clinical testing. Allele origin: germline.

Clinical Genomics, Uppaluri K&H Personalized Medicine Clinic
Classification: Uncertain risk allele for Maturity-onset diabetes of the young. Review status: criteria provided, single submitter. Criteria: K & H Uppaluri Personalized Medicine Clinic Variant Classification & Assertion Criteria_Updated V.1. Collection method: research. Allele origin: unknown. Inheritance: Autosomal dominant inheritance.
Comment: Potent mutations in HNF4A are associated with poor insulin secretion in response to hyperglycemia. Associated with MODY1. Patients initially respond well to sulfonylureas but eventually become insulin dependent. However, more evidence is required to ascertain the role of this particular variant rs780342162 in MODY, yet.

Literature cited by the submitters: DOI 10.1159/000334532 (cited by Clinical Genomics, Uppaluri K&H Personalized Medicine Clinic); PubMed 18268044 (cited by Clinical Genomics, Uppaluri K&H Personalized Medicine Clinic); PubMed 17563455 (cited by Clinical Genomics, Uppaluri K&H Personalized Medicine Clinic); PubMed 32583173 (cited by Clinical Genomics, Uppaluri K&H Personalized Medicine Clinic); PubMed 35052457 (cited by Clinical Genomics, Uppaluri K&H Personalized Medicine Clinic); PubMed 35118593 (cited by Clinical Genomics, Uppaluri K&H Personalized Medicine Clinic).